The following is an entry in ClinVar:

ClinVar aggregate classification (germline): Uncertain significance. Review status: criteria provided, multiple submitters, no conflicts (2 of 4 stars). 3 submissions from 3 submitters: Uncertain significance (3). Last evaluated 2025-11-18.

Conditions:
Hereditary cancer-predisposing syndrome. Also called: Neoplastic Syndromes, Hereditary; Hereditary Cancer Syndrome; Tumor predisposition; Hereditary neoplastic syndrome. Identifiers: Orphanet 140162, MedGen C0027672, MeSH D009386, MONDO:0015356.
Ataxia-telangiectasia syndrome (AT). Also called: LOUIS-BAR SYNDROME; Cerebello-oculocutaneous telangiectasia; Immunodeficiency with ataxia telangiectasia; Ataxia-telangiectasia, complementation group D; AT, COMPLEMENTATION GROUP C; Ataxia-telangiectasia, complementation group E. Identifiers: Orphanet 100, MedGen C0004135, MONDO:0008840, OMIM 208900.

Submissions (3):

Labcorp Genetics (formerly Invitae), Labcorp
Classification: Uncertain significance for Ataxia-telangiectasia syndrome. Last evaluated: 2025-11-18. Review status: criteria provided, single submitter. Criteria: Invitae Variant Classification Sherloc (09022015). Collection method: clinical testing. Allele origin: germline.
Comment: This sequence change affects an acceptor splice site in intron 53 of the ATM gene. RNA analysis indicates that disruption of this splice site induces altered splicing and likely results in the loss of 2 and insertion of 1 amino acid residue(s), but is expected to preserve the integrity of the reading-frame. This variant is not present in population databases (gnomAD no frequency). Disruption of this splice site has been observed in individual(s) with ataxia-telangiectasia, however the variant was on the same chromosome as one of two other truncating variants detected (PMID: 17910737). ClinVar contains an entry for this variant (Variation ID: 482651). Studies have shown that disruption of this splice site results in the activation of a cryptic splice site in exon 54 (internal data). In summary, the available evidence is currently insufficient to determine the role of this variant in disease. Therefore, it has been classified as a Variant of Uncertain Significance.

Ambry Genetics
Classification: Uncertain significance for Hereditary cancer-predisposing syndrome. Last evaluated: 2025-03-24. Review status: criteria provided, single submitter. Criteria: Ambry Variant Classification Scheme 2023. Collection method: clinical testing. Allele origin: germline.
Comment: The c.7928-1G>A intronic variant results from a G to A substitution one nucleotide upstream from coding exon 53 of the ATM gene. This nucleotide position is highly conserved in available vertebrate species. In silico splice site analysis predicts that this alteration will weaken the native splice acceptor site. RNA studies have demonstrated that this alteration results in a transcript predicted to lead to a protein with an in-frame deletion of one amino acid; however, the exact functional impact of the deleted amino acid is unknown at this time (Ambry internal data). Since supporting evidence is limited at this time, the clinical significance of this alteration remains unclear.

GeneDx
Classification: Uncertain significance. Last evaluated: 2024-04-04. Review status: criteria provided, single submitter. Criteria: GeneDx Variant Classification Process June 2021. Collection method: clinical testing. Allele origin: germline.
Comment: Canonical splice site variant predicted to result in a splice defect with an unclear effect on protein function; Observed in an individual with ataxia telangiectasia who also carried two different truncating ATM variants, one on the opposite allele (in trans) and the other on the same allele (in cis) (PMID: 17910737); Not observed at significant frequency in large population cohorts (gnomAD); This variant is associated with the following publications: (PMID: 16199547, 23807571, 25614872, 17910737)

Literature cited by the submitters: PubMed 17910737 (cited by Labcorp Genetics (formerly Invitae), Labcorp and Ambry Genetics); PubMed 25525159 (cited by Ambry Genetics).

NM_000051.4(ATM):c.7928-1G>A

Genes: ATM (ATM serine/threonine kinase; plus strand), C11orf65 (chromosome 11 open reading frame 65; minus strand). Cytogenetic location: 11q22.3.
Variant type: single nucleotide variant.
Coding change: c.7928-1G>A on transcript NM_000051.4 (MANE Select); the canonical splice acceptor site of the intron before coding-DNA position 7928, G replaced by A.
Molecular consequence: splice acceptor variant. On other transcripts: intron variant (2).
Genome position (GRCh38, 1-based): chr11:108,333,885, G>A. VCF-style: chr11-108333885-G-A. GRCh37 (hg19) VCF-style: chr11-108204612-G-A.
Other names: c.7928-1G>A (NM_001351834.2); c.641-24814C>T (NM_001330368.2); c.*38+1335C>T (NM_001351110.2).
Identifiers: ClinVar variation 482651 (VCV000482651.17), dbSNP rs1555126163, ClinGen allele CA382561649.